The following is an entry in ClinVar:

NM_173728.4(ARHGEF15):c.2277_2291del (p.Gln760_Ser764del)

Gene: ARHGEF15 (Rho guanine nucleotide exchange factor 15; plus strand). Cytogenetic location: 17p13.1.
Variant type: Deletion.
Coding change: c.2277_2291del on transcript NM_173728.4 (MANE Select); coding-DNA positions 2277 to 2291, 15 bases deleted (CCAGGAACTGTGTTC).
Protein change: p.Gln760_Ser764del.
Molecular consequence: inframe deletion.
Genome position (GRCh38, 1-based): chr17:8,319,506-8,319,520, CCAGGAACTGTGTTC deleted; deleting any 15 consecutive bases within chr17:8,319,501-8,319,520 gives the same sequence; the c. name uses the placement nearest the transcript's 3' end. VCF-style (leftmost placement, unchanged base first): chr17-8319500-CTGTTCCCAGGAACTG-C. GRCh37 (hg19) VCF-style: chr17-8222818-CTGTTCCCAGGAACTG-C.
Other names: c.2277_2291del, p.Gln760_Ser764del (NM_025014.2).
Identifiers: ClinVar variation 2147847 (VCV002147847.4), dbSNP rs769019463, ClinGen allele CA8375486.

ClinVar aggregate classification (germline): Uncertain significance (1 of 4 stars; one submission).

Conditions:
Early-infantile DEE. Also called: Early infantile epileptic encephalopathy; Early infantile epileptic encephalopathy with suppression bursts; Ohtahara syndrome. Identifiers: Orphanet 1934, MedGen C0393706, MONDO:0800491.

Submission:

Labcorp Genetics (formerly Invitae), Labcorp
Classification: Uncertain significance for Early-infantile DEE. Last evaluated: 2024-01-28. Review status: criteria provided, single submitter. Criteria: Invitae Variant Classification Sherloc (09022015). Collection method: clinical testing. Allele origin: germline.
Comment: This variant, c.2277_2291del, results in the deletion of 5 amino acid(s) of the ARHGEF15 protein (p.Gln760_Ser764del), but otherwise preserves the integrity of the reading frame. This variant is present in population databases (rs769019463, gnomAD 0.01%). This variant has not been reported in the literature in individuals affected with ARHGEF15-related conditions. ClinVar contains an entry for this variant (Variation ID: 2147847). Experimental studies and prediction algorithms are not available or were not evaluated, and the functional significance of this variant is currently unknown. In summary, the available evidence is currently insufficient to determine the role of this variant in disease. Therefore, it has been classified as a Variant of Uncertain Significance.